The following continues an entry in ClinVar:

NM_201253.3(CRB1):c.2234C>T (p.Thr745Met)

Gene: CRB1. ClinVar aggregate classification (germline): Pathogenic/Likely pathogenic. Pathogenic (15); Likely pathogenic (6).

Submissions 17 to 29 of 29:

Institute of Human Genetics, Univ. Regensburg, Univ. Regensburg
Classification: Likely pathogenic for Retinal dystrophy. Last evaluated: 2022-01-01. Review status: criteria provided, single submitter. Criteria: ACMG Guidelines, 2015. Collection method: clinical testing. Allele origin: germline. Affected: yes.

Institute of Medical Genetics and Applied Genomics, University Hospital Tübingen
Classification: Pathogenic. Last evaluated: 2021-09-15. Review status: criteria provided, single submitter. Criteria: ACMG Guidelines, 2015. Collection method: clinical testing. Allele origin: germline. Inheritance: Autosomal recessive inheritance. Affected: yes.

Broad Center for Mendelian Genomics, Broad Institute of MIT and Harvard
Classification: Pathogenic for Retinitis pigmentosa. Last evaluated: 2021-04-01. Review status: criteria provided, single submitter. Criteria: ACMG Guidelines, 2015. Collection method: curation. Allele origin: germline. Inheritance: Autosomal recessive inheritance. Affected: yes.
Comment: Through a review of available evidence we were able to apply the following criteria: PM2, PP3, PM3-S, PM1, PP1. Based on this evidence we have classified this variant as Pathogenic. If you have any questions about the classification please reach out to the Pierce Lab.

CeGaT Center for Human Genetics Tuebingen
Classification: Pathogenic. Last evaluated: 2020-05-01. Review status: criteria provided, single submitter. Criteria: CeGaT Center For Human Genetics Tuebingen Variant Classification Criteria Version 2. Collection method: clinical testing. Allele origin: germline. Affected: yes. Observed: 3 variant alleles.

Centre for Mendelian Genomics, University Medical Centre Ljubljana
Classification: Pathogenic for Pigmented paravenous retinochoroidal atrophy. Last evaluated: 2019-02-24. Review status: criteria provided, single submitter. Criteria: ACMG Guidelines, 2015. Collection method: clinical testing. Allele origin: unknown. Affected: yes.
Comment: This variant was classified as: Pathogenic. The following ACMG criteria were applied in classifying this variant: PM1,PM2,PP2,PP3,PP5.

Department of Clinical Genetics, Copenhagen University Hospital, Rigshospitalet
Classification: Pathogenic for Retinitis pigmentosa. Last evaluated: 2018-04-01. Review status: no assertion criteria provided. Collection method: research. Allele origin: unknown. Affected: yes. Study: VeluxRD. Not counted in ClinVar's aggregate classification.

Faculty of Health Sciences, Beirut Arab University
Classification: Pathogenic for Autosomal recessive Retinitis Pigmentosa. Last evaluated: 2012-10-26. Review status: no assertion criteria provided. Collection method: literature only. Allele origin: germline. Affected: yes. Observed: 1 variant allele. Not counted in ClinVar's aggregate classification.

OMIM
Classification: Pathogenic for RETINITIS PIGMENTOSA 12. Last evaluated: 1999-10-01. Review status: no assertion criteria provided. Collection method: literature only. Allele origin: germline. Not counted in ClinVar's aggregate classification.

Clinical Genetics DNA and cytogenetics Diagnostics Lab, Erasmus MC, Erasmus Medical Center
Classification: Pathogenic. Review status: no assertion criteria provided. Collection method: clinical testing. Allele origin: germline. Affected: yes. Study: VKGL Data-share Consensus. Not counted in ClinVar's aggregate classification.

Clinical Genetics, Academic Medical Center
Classification: Pathogenic. Review status: no assertion criteria provided. Collection method: clinical testing. Allele origin: germline. Affected: yes. Study: VKGL Data-share Consensus. Not counted in ClinVar's aggregate classification.

Joint Genome Diagnostic Labs from Nijmegen and Maastricht, Radboudumc and MUMC+
Classification: Likely pathogenic. Review status: no assertion criteria provided. Collection method: clinical testing. Allele origin: germline. Affected: yes. Study: VKGL Data-share Consensus. Not counted in ClinVar's aggregate classification.

Laboratory of Genetics in Ophthalmology, Institut Imagine
Classification: Pathogenic for Leber congenital amaurosis 8. Review status: no assertion criteria provided. Collection method: research. Allele origin: inherited. Affected: yes. Observed: 5 variant alleles. Not counted in ClinVar's aggregate classification.

Retina International
No classification provided. Review status: no classification provided. Collection method: not provided. Allele origin: not provided. Not counted in ClinVar's aggregate classification.

Literature cited by the submitters: PubMed 10508521 (cited by 6 submitters); PubMed 15024725 (cited by Labcorp Genetics (formerly Invitae), Labcorp and Broad Center for Mendelian Genomics, Broad Institute of MIT and Harvard); PubMed 20956273 (cited by 3 submitters); PubMed 23449718 (cited by Labcorp Genetics (formerly Invitae), Labcorp and Broad Center for Mendelian Genomics, Broad Institute of MIT and Harvard); PubMed 24715753 (cited by 3 submitters); PubMed 22968130 (cited by 3 submitters); PubMed 34884448 (cited by Research Institute for Ophthalmology and Vision Science, Shahid Beheshti University of Medical Sciences and Institute of Human Genetics, Univ. Regensburg, Univ. Regensburg); PubMed 23379534 (cited by Natera, Inc.); PubMed 28460491 (cited by Institute of Human Genetics, Univ. Regensburg, Univ. Regensburg); PubMed 28600779 (cited by Institute of Human Genetics, Univ. Regensburg, Univ. Regensburg); PubMed 28559085 (cited by Institute of Human Genetics, Univ. Regensburg, Univ. Regensburg); PubMed 28341475 (cited by Institute of Human Genetics, Univ. Regensburg, Univ. Regensburg); PubMed 29869924 (cited by Institute of Human Genetics, Univ. Regensburg, Univ. Regensburg); PubMed 31589614 (cited by Institute of Human Genetics, Univ. Regensburg, Univ. Regensburg); PubMed 31725702 (cited by Institute of Human Genetics, Univ. Regensburg, Univ. Regensburg); PubMed 31879567 (cited by Institute of Human Genetics, Univ. Regensburg, Univ. Regensburg); PubMed 31964843 (cited by Institute of Human Genetics, Univ. Regensburg, Univ. Regensburg); PubMed 33077954 (cited by Institute of Human Genetics, Univ. Regensburg, Univ. Regensburg); PubMed 33090715 (cited by Institute of Human Genetics, Univ. Regensburg, Univ. Regensburg); PubMed 33029571 (cited by Institute of Human Genetics, Univ. Regensburg, Univ. Regensburg); PubMed 32176805 (cited by Institute of Human Genetics, Univ. Regensburg, Univ. Regensburg); PubMed 32531858 (cited by Institute of Human Genetics, Univ. Regensburg, Univ. Regensburg); PubMed 33576794 (cited by Institute of Human Genetics, Univ. Regensburg, Univ. Regensburg); PubMed 33749171 (cited by Institute of Human Genetics, Univ. Regensburg, Univ. Regensburg); PubMed 33342761 (cited by Institute of Human Genetics, Univ. Regensburg, Univ. Regensburg); PubMed 35119454 (cited by Institute of Human Genetics, Univ. Regensburg, Univ. Regensburg); PubMed 36460718 (cited by Institute of Human Genetics, Univ. Regensburg, Univ. Regensburg); PubMed 36819107 (cited by Institute of Human Genetics, Univ. Regensburg, Univ. Regensburg); PubMed 34906470 (cited by Broad Center for Mendelian Genomics, Broad Institute of MIT and Harvard); PubMed 23105016 (cited by Broad Center for Mendelian Genomics, Broad Institute of MIT and Harvard and Faculty of Health Sciences, Beirut Arab University); PubMed 30718709 (cited by Broad Center for Mendelian Genomics, Broad Institute of MIT and Harvard and Department of Clinical Genetics, Copenhagen University Hospital, Rigshospitalet).